The following is an entry in ClinVar:

NM_144687.4(NLRP12):c.2222A>T (p.Asn741Ile)

Gene: NLRP12 (NLR family pyrin domain containing 12; minus strand). Cytogenetic location: 19q13.42.
Variant type: single nucleotide variant.
Coding change: c.2222A>T on transcript NM_144687.4 (MANE Select); coding-DNA position 2222, A replaced by T.
Protein change: p.Asn741Ile; replaces asparagine 741 with isoleucine.
Molecular consequence: missense variant.
Genome position (GRCh38, 1-based): chr19:53,807,516, T>A on the plus strand (A>T on the coding strand, the complement: NLRP12 is on the minus strand). VCF-style: chr19-53807516-T-A. GRCh37 (hg19) VCF-style: chr19-54310770-T-A.
Other names: c.2225A>T, p.Asn742Ile (NM_001277126.2); c.2222A>T, p.Asn741Ile (NM_001277129.1); short protein forms N741I, N742I.
Identifiers: ClinVar variation 4732009 (VCV004732009.1).
Genomic context (GRCh38, chr19:53,807,516, plus strand): 5'-TGGGGACCACCTGAAACGCCCAGACCAGCCTGCACTCACCTCAGGTTCTGAAGTTTGCAG[T>A]TGGGGTGTCTGAGTCCTTGACAGAGCAGCTTCACCCCCCGGCTGCCCAGGGCATTTCGGT-3'
Protein context (NP_653288.1, residues 731-751): KLLCQGLRHP[Asn741Ile]CKLQNLRLKR

ClinVar aggregate classification (germline): Uncertain significance (1 of 4 stars; one submission).

Conditions:
Familial cold autoinflammatory syndrome 2 (FCAS2). Identifiers: Orphanet 247868, MedGen C2673198, MONDO:0012724, OMIM 611762.

gnomAD v4.1: 3 of 1,614,054 alleles (0.00019%); highest among the groups gnomAD compares: East Asian, 0.0045%; no homozygotes.

Submission:

Labcorp Genetics (formerly Invitae), Labcorp
Classification: Uncertain significance for Familial cold autoinflammatory syndrome 2. Last evaluated: 2025-11-25. Review status: criteria provided, single submitter. Criteria: Invitae Variant Classification Sherloc (09022015). Collection method: clinical testing. Allele origin: germline.
Comment: This sequence change replaces asparagine, which is neutral and polar, with isoleucine, which is neutral and non-polar, at codon 741 of the NLRP12 protein (p.Asn741Ile). This variant is not present in population databases (gnomAD no frequency). This variant has not been reported in the literature in individuals affected with NLRP12-related conditions. An algorithm developed to predict the effect of missense changes on protein structure and function (PolyPhen-2) suggests that this variant is likely to be tolerated. In summary, the available evidence is currently insufficient to determine the role of this variant in disease. Therefore, it has been classified as a Variant of Uncertain Significance.